The following is an entry in ClinVar:

ClinVar aggregate classification (germline): Benign. Review status: criteria provided, multiple submitters, no conflicts (2 of 4 stars). 3 submissions from 3 submitters: Benign (2). 1 of the submissions does not count toward it. Last evaluated 2026-02-01.

Conditions:
SORL1-related disorder. Also called: SORL1-related condition.

Allele frequency attached by ClinVar (database versions not stated): gnomAD 0.06736 and 0.07017; ESP Exome Variant Server 0.07375; 1000 Genomes Project 30x 0.08776; TOPMed 0.07383; 1000 Genomes Project 0.08407.
gnomAD v4.1: 44,031 of 1,614,016 alleles (2.7%); highest among the groups gnomAD compares: African/African-American, 19%; 1,801 homozygotes.

Submissions (3):

Labcorp Genetics (formerly Invitae), Labcorp
Classification: Benign. Last evaluated: 2026-02-01. Review status: criteria provided, single submitter. Criteria: Invitae Variant Classification Sherloc (09022015). Collection method: clinical testing. Allele origin: germline.

Breakthrough Genomics
Classification: Benign. Review status: criteria provided, single submitter. Criteria: ACMG Guidelines, 2015. Collection method: not provided. Allele origin: germline. Inheritance: Unknown mechanism. Affected: yes.

PreventionGenetics, part of Exact Sciences
Classification: Benign for SORL1-related condition. Last evaluated: 2019-05-21. Review status: no assertion criteria provided. Collection method: clinical testing. Allele origin: germline. Not counted in ClinVar's aggregate classification.
Comment: This variant is classified as benign based on ACMG/AMP sequence variant interpretation guidelines (Richards et al. 2015 PMID: 25741868, with internal and published modifications).

NM_003105.6(SORL1):c.4176C>T (p.Asn1392=)

Gene: SORL1 (sortilin related receptor 1; plus strand). Cytogenetic location: 11q24.1.
Variant type: single nucleotide variant.
Coding change: c.4176C>T on transcript NM_003105.6 (MANE Select); coding-DNA position 4176, C replaced by T.
Protein change: p.Asn1392=; no amino-acid change (asparagine 1392 retained).
Molecular consequence: synonymous variant.
Genome position (GRCh38, 1-based): chr11:121,590,137, C>T. VCF-style: chr11-121590137-C-T. GRCh37 (hg19) VCF-style: chr11-121460846-C-T.
Other names: c.4176C>T (NM_003105.5).
Identifiers: ClinVar variation 1600983 (VCV001600983.11), dbSNP rs2276412, ClinGen allele CA6329514.